The following is an entry in ClinVar:

NM_033305.3(VPS13A):c.7820_7821insA (p.Thr2608fs)

Gene: VPS13A (vacuolar protein sorting 13 homolog A; plus strand). Cytogenetic location: 9q21.2.
Variant type: Insertion.
Coding change: c.7820_7821insA on transcript NM_033305.3 (MANE Select); coding-DNA positions 7820 to 7821, A inserted.
Protein change: p.Thr2608fs; shifts the reading frame from threonine 2608.
Molecular consequence: frameshift variant.
Genome position: GRCh38 VCF-style: chr9-77357705-C-CA. GRCh37 (hg19) VCF-style: chr9-79972621-C-CA.
Other names: c.7703_7704insA, p.Thr2569fs (NM_001018037.2); c.7820_7821insA, p.Thr2608fs (NM_001018038.3, NM_015186.4); short protein forms T2569fs, T2608fs.
Identifiers: ClinVar variation 4816426 (VCV004816426.1).
Genomic context (GRCh38, chr9:77,357,705, plus strand): 5'-ATTTATAGATAAATTAATTTTTTCATTTGGGGGGACATATTTTTCAGGTTCGCCTAACCC[C>CA]TACTGGTCATAACATGAAAATTCTGCAGCCGCATGTAATAGCTCTACGAAGAAATTATCT-3'

ClinVar aggregate classification (germline): Likely pathogenic (1 of 4 stars; one submission).

Conditions:
VPS13A-related neurodegenerative disease. Also called: LEVINE-CRITCHLEY SYNDROME; Choreoacanthocytosis; Chorea-acanthocytosis; ACANTHOCYTOSIS WITH NEUROLOGIC DISORDER; VPS13A Disease; Choreaacanthocytosis. Identifiers: Orphanet 2388, MedGen C0393576, MONDO:0008695, OMIM 200150.

Submission:

Natera, Inc.
Classification: Likely pathogenic for Choreaacanthocytosis. Last evaluated: 2024-11-10. Review status: criteria provided, single submitter. Criteria: Natera Variant Classification Schema (03/2026). Collection method: clinical testing. Allele origin: germline.
Comment: The c.7820_7821insA variant in VPS13A is a frameshift variant predicted to shift the reading frame beginning at codon 2608 and leads to a stop codon 4 codons downstream. This variant is expected to result in nonsense mediated decay, truncation, or a dysfunctional protein product. This variant is rare in the general population with a frequency below the threshold expected for the associated phenotype(s). Given the available evidence, this variant is classified as Likely Pathogenic.